The following is an entry in ClinVar:

ClinVar aggregate classification (germline): Uncertain significance (1 of 4 stars; one submission).

Conditions:
Inborn genetic diseases. Identifiers: MedGen C0950123, MeSH D030342.

gnomAD v4.1: 1 of 1,613,858 alleles (0.000062%); highest among the groups gnomAD compares: Non-Finnish European, 0.000085%; no homozygotes.

Submission:

Ambry Genetics
Classification: Uncertain significance for Inborn genetic diseases. Last evaluated: 2025-01-17. Review status: criteria provided, single submitter. Criteria: Ambry Variant Classification Scheme 2023. Collection method: clinical testing. Allele origin: germline.
Comment: The p.D1444Y variant (also known as c.4330G>T), located in coding exon 1 of the SAMD9L gene, results from a G to T substitution at nucleotide position 4330. The aspartic acid at codon 1444 is replaced by tyrosine, an amino acid with highly dissimilar properties. This amino acid position is conserved. In addition, this alteration is predicted to be tolerated by in silico analysis. Based on the available evidence, the clinical significance of this variant remains unclear.

NM_152703.5(SAMD9L):c.4330G>T (p.Asp1444Tyr)

Gene: SAMD9L (sterile alpha motif domain containing 9 like; minus strand). Cytogenetic location: 7q21.2.
Variant type: single nucleotide variant.
Coding change: c.4330G>T on transcript NM_152703.5 (MANE Select); coding-DNA position 4330, G replaced by T.
Protein change: p.Asp1444Tyr; replaces aspartic acid 1444 with tyrosine.
Molecular consequence: missense variant.
Genome position (GRCh38, 1-based): chr7:93,131,642, C>A on the plus strand (G>T on the coding strand, the complement: SAMD9L is on the minus strand). VCF-style: chr7-93131642-C-A. GRCh37 (hg19) VCF-style: chr7-92760955-C-A.
Other names: c.4330G>T, p.Asp1444Tyr (NM_001303496.3, NM_001303497.3, NM_001303498.3 and 5 more transcripts); short protein forms D1444Y.
Identifiers: ClinVar variation 3792323 (VCV003792323.1).